The following is an entry in ClinVar:

NM_001317778.2(SFTPC):c.18+13G>A

Gene: SFTPC (surfactant protein C; plus strand). Cytogenetic location: 8p21.3.
Variant type: single nucleotide variant.
Coding change: c.18+13G>A on transcript NM_001317778.2 (MANE Select); 13 bases into the intron after coding-DNA position 18, G replaced by A.
Molecular consequence: intron variant. On other transcripts: 3 prime UTR variant (1).
Genome position (GRCh38, 1-based): chr8:22,164,072, G>A. VCF-style: chr8-22164072-G-A. GRCh37 (hg19) VCF-style: chr8-22021585-G-A.
Other names: c.*31G>A (NM_001172357.2); c.18+13G>A (NM_003018.4, NM_001317779.2); c.10+21G>A (NM_001172410.2, NM_001317780.2).
Identifiers: ClinVar variation 362566 (VCV000362566.5), dbSNP rs74515418, ClinGen allele CA4664092.

ClinVar aggregate classification (germline): Benign. Review status: criteria provided, single submitter (1 of 4 stars). 2 submissions from 1 submitter: Benign (2). Last evaluated 2018-01-13.

Conditions:
Surfactant metabolism dysfunction, pulmonary, 2 (SMDP2). Also called: DESQUAMATIVE INTERSTITIAL PNEUMONITIS DUE TO SURFACTANT PROTEIN C DEFICIENCY; INTERSTITIAL LUNG DISEASE DUE TO SURFACTANT PROTEIN C DEFICIENCY; PULMONARY ALVEOLAR PROTEINOSIS, CONGENITAL, 2. Identifiers: Orphanet 440392, MedGen C1970470, MONDO:0024465, OMIM 610913.
Interstitial lung disease 2 (ILD2). Also called: FIBROCYSTIC PULMONARY DYSPLASIA; FIBROSING ALVEOLITIS, CRYPTOGENIC; Familial idiopathic pulmonary fibrosis. Identifiers: Orphanet 2032, Orphanet 79126, MedGen C5561926, MONDO:0800497, OMIM 178500, MONDO:0800029.

Allele frequency attached by ClinVar (database versions not stated): gnomAD exomes 0.00169 and 0.00062; gnomAD 0.00511 and 0.00478; TOPMed 0.00526; 1000 Genomes Project 0.00579; ESP Exome Variant Server 0.00475; ExAC 0.00171; 1000 Genomes Project 30x 0.00593.
gnomAD v4.1: 1,698 of 1,611,562 alleles (0.11%); highest among the groups gnomAD compares: African/African-American, 1.4%; 16 homozygotes.

Submissions (2):

Illumina Laboratory Services, Illumina
Classification: Benign for Idiopathic fibrosing alveolitis, chronic form. Last evaluated: 2018-01-13. Review status: criteria provided, single submitter. Criteria: ICSL Variant Classification Criteria 13 December 2019. Collection method: clinical testing. Allele origin: germline.
Comment: This variant was observed in the ICSL laboratory as part of a predisposition screen in an ostensibly healthy population. It had not been previously curated by ICSL or reported in the Human Gene Mutation Database (HGMD: prior to June 1st, 2018), and was therefore a candidate for classification through an automated scoring system. Utilizing variant allele frequency, disease prevalence and penetrance estimates, and inheritance mode, an automated score was calculated to assess if this variant is too frequent to cause the disease. Based on the score and internal cut-off values, a variant classified as benign is not then subjected to further curation. The score for this variant resulted in a classification of benign for this disease.

Illumina Laboratory Services, Illumina
Classification: Benign for Surfactant metabolism dysfunction, pulmonary, 2. Last evaluated: 2018-01-13. Review status: criteria provided, single submitter. Criteria: ICSL Variant Classification Criteria 13 December 2019. Collection method: clinical testing. Allele origin: germline.
Comment: the same text as in the submission from Illumina Laboratory Services, Illumina above.